The following is an entry in ClinVar:

NM_144499.3(GNAT1):c.830C>T (p.Ala277Val)

Gene: GNAT1 (G protein subunit alpha transducin 1; plus strand). Cytogenetic location: 3p21.31.
Variant type: single nucleotide variant.
Coding change: c.830C>T on transcript NM_144499.3 (MANE Select); coding-DNA position 830, C replaced by T.
Protein change: p.Ala277Val; replaces alanine 277 with valine.
Molecular consequence: missense variant.
Genome position (GRCh38, 1-based): chr3:50,194,622, C>T. VCF-style: chr3-50194622-C-T. GRCh37 (hg19) VCF-style: chr3-50232055-C-T.
Other names: c.830C>T, p.Ala277Val (NM_000172.4); short protein forms A277V.
Identifiers: ClinVar variation 346051 (VCV000346051.7), dbSNP rs886058685, ClinGen allele CA10616962.

ClinVar aggregate classification (germline): Uncertain significance. Review status: criteria provided, single submitter (1 of 4 stars). 2 submissions from 2 submitters: Uncertain significance (1). 1 of the submissions does not count toward it. Last evaluated 2018-01-12.

Conditions:
Congenital stationary night blindness autosomal dominant 3. Also called: NIGHT BLINDNESS, CONGENITAL STATIONARY, NOUGARET TYPE. Identifiers: Orphanet 215, MedGen C1864870, MONDO:0012497, OMIM 610444.
GNAT1-related disorder. Also called: GNAT1-related condition.

Allele frequency attached by ClinVar (database versions not stated): gnomAD 0.00001; TOPMed 0.00001.

Submissions (2):

Illumina Laboratory Services, Illumina
Classification: Uncertain significance for Congenital stationary night blindness autosomal dominant 3. Last evaluated: 2018-01-12. Review status: criteria provided, single submitter. Criteria: ICSL Variant Classification Criteria 13 December 2019. Collection method: clinical testing. Allele origin: germline.

PreventionGenetics, part of Exact Sciences
Classification: Uncertain significance for GNAT1-related condition. Last evaluated: 2024-02-11. Review status: no assertion criteria provided. Collection method: clinical testing. Allele origin: germline. Not counted in ClinVar's aggregate classification.
Comment: The GNAT1 c.830C>T variant is predicted to result in the amino acid substitution p.Ala277Val. To our knowledge, this variant has not been reported in the literature. This variant is reported in 0.0018% of alleles in individuals of European (Non-Finnish) descent in gnomAD. At this time, the clinical significance of this variant is uncertain due to the absence of conclusive functional and genetic evidence.